The following is an entry in ClinVar:

ClinVar aggregate classification (germline): Uncertain significance (1 of 4 stars; one submission).

gnomAD v4.1: 2 of 1,613,860 alleles (0.00012%); highest among the groups gnomAD compares: South Asian, 0.0011%; no homozygotes.

Submission:

Ambry Genetics
Classification: Uncertain significance. Last evaluated: 2026-08-18. Review status: criteria provided, single submitter. Criteria: Ambry Variant Classification Scheme 2023. Collection method: clinical testing. Allele origin: germline.
Comment: The c.1535C>T (p.A512V) alteration is located in exon 1 (coding exon 1) of the FAT3 gene. This alteration results from a C to T substitution at nucleotide position 1535, causing the alanine (A) at amino acid position 512 to be replaced by a valine (V). Based on data from gnomAD, the T allele has an overall frequency of <0.001% (1/248642) total alleles studied. The highest observed frequency was 0.003% (1/30594) of South Asian alleles. Based on insufficient or conflicting evidence, the clinical significance of this alteration remains unclear.

NM_001367949.2(FAT3):c.1535C>T (p.Ala512Val)

Gene: FAT3 (FAT atypical cadherin 3; plus strand). Cytogenetic location: 11q14.3.
Variant type: single nucleotide variant.
Coding change: c.1535C>T on transcript NM_001367949.2 (MANE Select); coding-DNA position 1535, C replaced by T.
Protein change: p.Ala512Val; replaces alanine 512 with valine.
Molecular consequence: missense variant.
Genome position (GRCh38, 1-based): chr11:92,353,647, C>T. VCF-style: chr11-92353647-C-T. GRCh37 (hg19) VCF-style: chr11-92086813-C-T.
Other names: c.1535C>T, p.Ala512Val (NM_001008781.3, NM_001378141.1); short protein forms A512V.
Identifiers: ClinVar variation 5021562 (VCV005021562.1).